The following is an entry in ClinVar:

NM_001371395.1(USP53):c.238-9G>A

Gene: USP53 (ubiquitin specific peptidase 53; plus strand). Cytogenetic location: 4q26.
Variant type: single nucleotide variant.
Coding change: c.238-9G>A on transcript NM_001371395.1 (MANE Select); 9 bases into the intron before coding-DNA position 238, G replaced by A.
Molecular consequence: intron variant.
Genome position (GRCh38, 1-based): chr4:119,248,739, G>A. VCF-style: chr4-119248739-G-A. GRCh37 (hg19) VCF-style: chr4-120169894-G-A.
Other names: c.238-9G>A (NM_019050.3, NM_001389661.1, NM_001389658.1 and 6 more transcripts); c.-111-9G>A (NM_001389663.1, NM_001389667.1, NM_001389664.1 and 3 more transcripts).
Identifiers: ClinVar variation 4989325 (VCV004989325.1).
Genomic context (GRCh38, chr4:119,248,739, plus strand): 5'-TTGTAATGAAATTACTGAAATGTCGTTAAAGCTGGCATTAAACTTACTGATTTTCTTGTC[G>A]ATTCCCAGACGATATTTGCACAGTTCCAACACAGTCGAGAAAAAGCACTTCCCTCAGATA-3'

ClinVar aggregate classification (germline): Likely benign (1 of 4 stars; one submission).

Conditions:
USP53-related disorder. Also called: USP53-related condition.

gnomAD v4.1: 79 of 1,606,022 alleles (0.0049%); highest among the groups gnomAD compares: Non-Finnish European, 0.006%; no homozygotes.

Submission:

PreventionGenetics, part of Exact Sciences
Classification: Likely benign for USP53-related condition. Last evaluated: 2026-05-03. Review status: criteria provided, single submitter. Criteria: ACMG Guidelines, 2015. Collection method: clinical testing. Allele origin: germline.
Comment: This variant is classified as likely benign based on ACMG/AMP sequence variant interpretation guidelines (Richards et al. 2015 PMID: 25741868, with internal and published modifications).